The following is an entry in ClinVar:

ClinVar aggregate classification (germline): Conflicting classifications of pathogenicity. Review status: criteria provided, conflicting classifications (1 of 4 stars). 3 submissions from 3 submitters: Likely pathogenic (1); Uncertain significance (2). Last evaluated 2025-02-06.

Conditions:
COACH syndrome 2. Identifiers: MedGen C5436837, MONDO:0030859, OMIM 619111.
Meckel syndrome, type 6. Identifiers: Orphanet 564, MedGen C2676790, MONDO:0012848, OMIM 612284.
Joubert syndrome 9 (JBTS9). Identifiers: Orphanet 2318, MedGen C2676788, MONDO:0012849, OMIM 612285.
Retinitis pigmentosa 93. Identifiers: MedGen C5676970, MONDO:0030797, OMIM 619845.
Joubert syndrome. Also called: JOUBERT-BOLTSHAUSER SYNDROME; Familial aplasia of the vermis. Identifiers: Orphanet 475, MedGen C5979921, MONDO:0018772.
Meckel-Gruber syndrome. Also called: DYSENCEPHALIA SPLANCHNOCYSTICA; GRUBER SYNDROME; Dysencephalia splachnocystica. Identifiers: Orphanet 564, MedGen C0265215, MONDO:0018921.

Submissions (3):

GeneDx
Classification: Likely pathogenic. Last evaluated: 2025-02-06. Review status: criteria provided, single submitter. Criteria: GeneDx Variant Classification Process June 2021. Collection method: clinical testing. Allele origin: germline. Affected: yes.
Comment: Not observed at significant frequency in large population cohorts (gnomAD); In silico analysis supports a deleterious effect on splicing; This variant is associated with the following publications: (PMID: 36319078)

Fulgent Genetics
Classification: Uncertain significance for Meckel syndrome, type 6; Joubert syndrome 9; COACH syndrome 2; Retinitis pigmentosa 93. Last evaluated: 2024-06-03. Review status: criteria provided, single submitter. Criteria: ACMG Guidelines, 2015. Collection method: clinical testing. Allele origin: germline.

Labcorp Genetics (formerly Invitae), Labcorp
Classification: Uncertain significance for Joubert syndrome; Meckel-Gruber syndrome. Last evaluated: 2024-02-24. Review status: criteria provided, single submitter. Criteria: Invitae Variant Classification Sherloc (09022015). Collection method: clinical testing. Allele origin: germline.
Comment: This sequence change falls in intron 20 of the CC2D2A gene. It does not directly change the encoded amino acid sequence of the CC2D2A protein. It affects a nucleotide within the consensus splice site. This variant is present in population databases (rs769454642, gnomAD 0.002%). This variant has not been reported in the literature in individuals affected with CC2D2A-related conditions. ClinVar contains an entry for this variant (Variation ID: 2080348). Variants that disrupt the consensus splice site are a relatively common cause of aberrant splicing (PMID: 17576681, 9536098). Algorithms developed to predict the effect of sequence changes on RNA splicing suggest that this variant may disrupt the consensus splice site. In summary, the available evidence is currently insufficient to determine the role of this variant in disease. Therefore, it has been classified as a Variant of Uncertain Significance.

Literature cited by the submitters: PubMed 17576681 (cited by Labcorp Genetics (formerly Invitae), Labcorp); PubMed 9536098 (cited by Labcorp Genetics (formerly Invitae), Labcorp).

NM_001378615.1(CC2D2A):c.2487-7_2487-3del

Genes: CC2D2A (coiled-coil and C2 domain containing 2A; plus strand), FBXL5 (F-box and leucine rich repeat protein 5; minus strand). Cytogenetic location: 4p15.32.
Variant type: Deletion.
Coding change: c.2487-7_2487-3del on transcript NM_001378615.1 (MANE Select); 7 bases into the intron before coding-DNA position 2487 through 3 bases into the intron before coding-DNA position 2487, 5 bases deleted (TTTTC; older notation c.2487-7_2487-3delTTTTC).
Molecular consequence: intron variant.
Genome position (GRCh38, 1-based): chr4:15,555,065-15,555,069, TTTTC deleted; deleting any 5 consecutive bases within chr4:15,555,062-15,555,069 gives the same sequence; the c. name uses the placement nearest the transcript's 3' end. VCF-style (leftmost placement, unchanged base first): chr4-15555061-CTTCTT-C. GRCh37 (hg19) VCF-style: chr4-15556684-CTTCTT-C.
Other names: c.2487-7_2487-3del (NM_001080522.2); c.2340-7_2340-3del (NM_001378617.1).
Identifiers: ClinVar variation 2080348 (VCV002080348.5), dbSNP rs769454642, ClinGen allele CA2863947.